The following is an entry in ClinVar:

ClinVar aggregate classification (germline): Uncertain significance. Review status: criteria provided, multiple submitters, no conflicts (2 of 4 stars). 2 submissions from 2 submitters: Uncertain significance (2). Last evaluated 2025-02-17.

Allele frequency attached by ClinVar (database versions not stated): TOPMed 0.00007; gnomAD 0.00009.
gnomAD v4.1: 34 of 1,612,600 alleles (0.0021%); highest among the groups gnomAD compares: African/African-American, 0.04%; no homozygotes.

Submissions (2):

Labcorp Genetics (formerly Invitae), Labcorp
Classification: Uncertain significance. Last evaluated: 2025-02-17. Review status: criteria provided, single submitter. Criteria: Invitae Variant Classification Sherloc (09022015). Collection method: clinical testing. Allele origin: germline.
Comment: This sequence change replaces threonine, which is neutral and polar, with asparagine, which is neutral and polar, at codon 180 of the MS4A1 protein (p.Thr180Asn). This variant is present in population databases (no rsID available, gnomAD 0.02%). This variant has not been reported in the literature in individuals affected with MS4A1-related conditions. ClinVar contains an entry for this variant (Variation ID: 2189850). An algorithm developed to predict the effect of missense changes on protein structure and function (PolyPhen-2) suggests that this variant is likely to be tolerated. In summary, the available evidence is currently insufficient to determine the role of this variant in disease. Therefore, it has been classified as a Variant of Uncertain Significance.

Ambry Genetics
Classification: Uncertain significance. Last evaluated: 2025-02-05. Review status: criteria provided, single submitter. Criteria: Ambry Variant Classification Scheme 2023. Collection method: clinical testing. Allele origin: germline.

NM_152866.3(MS4A1):c.539C>A (p.Thr180Asn)

Gene: MS4A1 (membrane spanning 4-domains A1; plus strand). Cytogenetic location: 11q12.2.
Variant type: single nucleotide variant.
Coding change: c.539C>A on transcript NM_152866.3 (MANE Select); coding-DNA position 539, C replaced by A.
Protein change: p.Thr180Asn; replaces threonine 180 with asparagine.
Molecular consequence: missense variant.
Genome position (GRCh38, 1-based): chr11:60,466,123, C>A. VCF-style: chr11-60466123-C-A. GRCh37 (hg19) VCF-style: chr11-60233596-C-A.
Other names: c.539C>A, p.Thr180Asn (NM_021950.4, NM_152867.2); short protein forms T180N.
Identifiers: ClinVar variation 2189850 (VCV002189850.5), dbSNP rs778670251, ClinGen allele CA222764284.
Genomic context (GRCh38, chr11:60,466,123, plus strand): 5'-CATATATTAACATATACAACTGTGAACCAGCTAATCCCTCTGAGAAAAACTCCCCATCTA[C>A]CCAATACTGTTACAGCATACAATCTCTGTTCTTGGTAAGTGTTCTTGGTAAGTGTGAGAT-3'
Protein context (NP_690605.1, residues 170-190): ANPSEKNSPS[Thr180Asn]QYCYSIQSLF